The following is an entry in ClinVar:

ClinVar aggregate classification (germline): Likely pathogenic (1 of 4 stars; one submission).

Conditions:
Glycogen storage disease, type IV (GSD4). Also called: AMYLOPECTINOSIS; ANDERSEN DISEASE; BRANCHER DEFICIENCY; CIRRHOSIS, FAMILIAL, WITH DEPOSITION OF ABNORMAL GLYCOGEN; GBE1 DEFICIENCY; GLYCOGEN BRANCHING ENZYME DEFICIENCY. Identifiers: Orphanet 367, MedGen C0017923, MONDO:0009292, OMIM 232500.
Glycogen storage disease IV, classic hepatic. Also called: GSD IV, CLASSIC HEPATIC. Identifiers: MedGen C1856301.

Submission:

Labcorp Genetics (formerly Invitae), Labcorp
Classification: Likely pathogenic for Glycogen storage disease, type IV; Glycogen storage disease IV, classic hepatic. Last evaluated: 2021-07-02. Review status: criteria provided, single submitter. Criteria: Invitae Variant Classification Sherloc (09022015). Collection method: clinical testing. Allele origin: germline.
Comment: This sequence change affects an acceptor splice site in intron 8 of the GBE1 gene. It is expected to disrupt RNA splicing. Variants that disrupt the donor or acceptor splice site typically lead to a loss of protein function (PMID: 16199547), and loss-of-function variants in GBE1 are known to be pathogenic (PMID: 15452297, 20058079). This variant is not present in population databases (ExAC no frequency). This variant has not been reported in the literature in individuals affected with GBE1-related conditions. Experimental studies and prediction algorithms are not available or were not evaluated, and the effect of this variant on mRNA splicing is currently unknown. In summary, the currently available evidence indicates that the variant is pathogenic, but additional data are needed to prove that conclusively. Therefore, this variant has been classified as Likely Pathogenic.

Literature cited by the submitters: PubMed 16199547; PubMed 15452297; PubMed 20058079.

NM_000158.4(GBE1):c.1109-1G>A

Gene: GBE1 (1,4-alpha-glucan branching enzyme 1; minus strand). Cytogenetic location: 3p12.2.
Variant type: single nucleotide variant.
Coding change: c.1109-1G>A on transcript NM_000158.4 (MANE Select); the canonical splice acceptor site of the intron before coding-DNA position 1109, G replaced by A.
Molecular consequence: splice acceptor variant.
Genome position (GRCh38, 1-based): chr3:81,591,165, C>T on the plus strand (G>A on the coding strand, the complement: GBE1 is on the minus strand). VCF-style: chr3-81591165-C-T. GRCh37 (hg19) VCF-style: chr3-81640316-C-T.
Identifiers: ClinVar variation 1497575 (VCV001497575.6), dbSNP rs763258786, ClinGen allele CA353685698.
Genomic context (GRCh38, chr3:81,591,165, plus strand): 5'-AGGCATCTTCATCTACTTGTAGTCCGAAATATTCACTGTAATCACCTGAGAAACCTTGAC[C>T]TTAGAAAAAGAAAATCAATACGGATATATTATGTTAACAAGCAAGTCTTAACTCTGCACA-3'